The following is an entry in ClinVar:

NM_005391.5(PDK3):c.1166G>A (p.Trp389Ter)

Gene: PDK3 (pyruvate dehydrogenase kinase 3; plus strand). Cytogenetic location: Xp22.11.
Variant type: single nucleotide variant.
Coding change: c.1166G>A on transcript NM_005391.5 (MANE Select); coding-DNA position 1166, G replaced by A.
Protein change: p.Trp389Ter; replaces tryptophan 389 with a stop codon.
Molecular consequence: nonsense.
Genome position (GRCh38, 1-based): chrX:24,534,017, G>A. VCF-style: chrX-24534017-G-A. GRCh37 (hg19) VCF-style: chrX-24552134-G-A.
Other names: c.1166G>A, p.Trp389Ter (NM_001142386.3); short protein forms W389*.
Identifiers: ClinVar variation 1309876 (VCV001309876.2), dbSNP rs2148204326, ClinGen allele CA412603804.

ClinVar aggregate classification (germline): Uncertain significance (1 of 4 stars; one submission).

Submission:

GeneDx
Classification: Uncertain significance. Last evaluated: 2019-11-11. Review status: criteria provided, single submitter. Criteria: GeneDx Variant Classification Process June 2021. Collection method: clinical testing. Allele origin: germline. Affected: yes.
Comment: Nonsense variant predicted to result in protein truncation, although loss-of-function variants have not been reported downstream of this position in the protein; Has not been previously published as pathogenic or benign to our knowledge; Not observed in large population cohorts (Lek et al., 2016)